The following is an entry in ClinVar:

NM_000475.5(NR0B1):c.434T>C (p.Ile145Thr)

Gene: NR0B1 (nuclear receptor subfamily 0 group B member 1; minus strand). Cytogenetic location: Xp21.2.
Variant type: single nucleotide variant.
Coding change: c.434T>C on transcript NM_000475.5 (MANE Select); coding-DNA position 434, T replaced by C.
Protein change: p.Ile145Thr; replaces isoleucine 145 with threonine.
Molecular consequence: missense variant.
Genome position (GRCh38, 1-based): chrX:30,308,930, A>G on the plus strand (T>C on the coding strand, the complement: NR0B1 is on the minus strand). VCF-style: chrX-30308930-A-G. GRCh37 (hg19) VCF-style: chrX-30327047-A-G.
Other names: short protein forms I145T.
Identifiers: ClinVar variation 3752392 (VCV003752392.2).

ClinVar aggregate classification (germline): Uncertain significance (1 of 4 stars; one submission).

Conditions:
46,XY sex reversal 2. Also called: NR0B1-Related 46,XY CGD; NR0B1-related 46,XY complete gonadal dysgenesis; Dosage-sensitive sex reversal; 46,XY SEX REVERSAL, DAX1-RELATED; 46XY sex reversal 2, dosage-sensitive. Identifiers: MedGen C1848296, MONDO:0010226, OMIM 300018.
Congenital adrenal hypoplasia, X-linked (AHC). Also called: Isolated X-Linked Adrenal Hypoplasia Congenita; X-linked AHC; X-Linked Adrenal Hypoplasia Congenita; ADRENAL HYPOPLASIA, CONGENITAL, WITH HYPOGONADOTROPIC HYPOGONADISM. Identifiers: Orphanet 95702, MedGen C0342482, MONDO:0010264, OMIM 300200. Disease mechanism: loss of function.

Submission:

Labcorp Genetics (formerly Invitae), Labcorp
Classification: Uncertain significance for Congenital adrenal hypoplasia, X-linked; 46,XY sex reversal 2. Last evaluated: 2024-11-29. Review status: criteria provided, single submitter. Criteria: Invitae Variant Classification Sherloc (09022015). Collection method: clinical testing. Allele origin: germline.
Comment: This sequence change replaces isoleucine, which is neutral and non-polar, with threonine, which is neutral and polar, at codon 145 of the NR0B1 protein (p.Ile145Thr). This variant is not present in population databases (gnomAD no frequency). This variant has not been reported in the literature in individuals affected with NR0B1-related conditions. Invitae Evidence Modeling of protein sequence and biophysical properties (such as structural, functional, and spatial information, amino acid conservation, physicochemical variation, residue mobility, and thermodynamic stability) has been performed for this missense variant. However, the output from this modeling did not meet the statistical confidence thresholds required to predict the impact of this variant on NR0B1 protein function. In summary, the available evidence is currently insufficient to determine the role of this variant in disease. Therefore, it has been classified as a Variant of Uncertain Significance.